The following is an entry in ClinVar:

NM_004380.3(CREBBP):c.4729-3C>G

Gene: CREBBP (CREB binding lysine acetyltransferase; minus strand). Cytogenetic location: 16p13.3.
Variant type: single nucleotide variant.
Coding change: c.4729-3C>G on transcript NM_004380.3 (MANE Select); 3 bases into the intron before coding-DNA position 4729, C replaced by G.
Molecular consequence: intron variant.
Genome position (GRCh38, 1-based): chr16:3,731,940, G>C on the plus strand (C>G on the coding strand, the complement: CREBBP is on the minus strand). VCF-style: chr16-3731940-G-C. GRCh37 (hg19) VCF-style: chr16-3781941-G-C.
Other names: c.4615-3C>G (NM_001079846.1).
Identifiers: ClinVar variation 4527823 (VCV004527823.1).

ClinVar aggregate classification (germline): Uncertain significance (1 of 4 stars; one submission).

Submission:

GeneDx
Classification: Uncertain significance. Last evaluated: 2025-05-01. Review status: criteria provided, single submitter. Criteria: GeneDx Variant Classification Process June 2021. Collection method: clinical testing. Allele origin: germline. Affected: yes.
Comment: Not observed at significant frequency in large population cohorts (gnomAD); In silico analysis supports a deleterious effect on splicing; Has not been previously published as pathogenic or benign to our knowledge